The following is an entry in ClinVar:

NM_203447.4(DOCK8):c.1453T>C (p.Phe485Leu)

Gene: DOCK8 (dedicator of cytokinesis 8; plus strand). Cytogenetic location: 9p24.3.
Variant type: single nucleotide variant.
Coding change: c.1453T>C on transcript NM_203447.4 (MANE Select); coding-DNA position 1453, T replaced by C.
Protein change: p.Phe485Leu; replaces phenylalanine 485 with leucine.
Molecular consequence: missense variant.
Genome position (GRCh38, 1-based): chr9:339,036, T>C. VCF-style: chr9-339036-T-C. GRCh37 (hg19) VCF-style: chr9-339036-T-C.
Other names: c.1249T>C, p.Phe417Leu (NM_001190458.2, NM_001193536.2); short protein forms F485L, F417L.
Identifiers: ClinVar variation 1397539 (VCV001397539.6), dbSNP rs754666720, ClinGen allele CA187763651.

ClinVar aggregate classification (germline): Uncertain significance (1 of 4 stars; one submission).

Conditions:
Hyper-IgE recurrent infection syndrome 3, autosomal recessive. Also called: Autosomal recessive hyper-IgE syndrome due to ZNF341 deficiency; HYPER-IgE SYNDROME 3, AUTOSOMAL RECESSIVE, WITH RECURRENT INFECTIONS. Identifiers: Orphanet 641368, MedGen C4748969, MONDO:0032654, OMIM 618282.

Allele frequency attached by ClinVar (database versions not stated): gnomAD 0.00001.
gnomAD v4.1: 10 of 1,614,036 alleles (0.00062%); highest among the groups gnomAD compares: African/African-American, 0.0013%; no homozygotes.

Submission:

Labcorp Genetics (formerly Invitae), Labcorp
Classification: Uncertain significance for Combined immunodeficiency due to DOCK8 deficiency. Last evaluated: 2023-08-30. Review status: criteria provided, single submitter. Criteria: Invitae Variant Classification Sherloc (09022015). Collection method: clinical testing. Allele origin: germline.
Comment: In summary, the available evidence is currently insufficient to determine the role of this variant in disease. Therefore, it has been classified as a Variant of Uncertain Significance. Advanced modeling of protein sequence and biophysical properties (such as structural, functional, and spatial information, amino acid conservation, physicochemical variation, residue mobility, and thermodynamic stability) performed at Invitae indicates that this missense variant is not expected to disrupt DOCK8 protein function. ClinVar contains an entry for this variant (Variation ID: 1397539). This variant has not been reported in the literature in individuals affected with DOCK8-related conditions. This variant is present in population databases (no rsID available, gnomAD 0.0009%). This sequence change replaces phenylalanine, which is neutral and non-polar, with leucine, which is neutral and non-polar, at codon 485 of the DOCK8 protein (p.Phe485Leu).